The following is an entry in ClinVar:

ClinVar aggregate classification (germline): Conflicting classifications of pathogenicity. Review status: criteria provided, conflicting classifications (1 of 4 stars). 2 submissions from 2 submitters: Uncertain significance (1); Likely benign (1). Last evaluated 2024-07-11.

Allele frequency attached by ClinVar (database versions not stated): gnomAD 0.00005; gnomAD exomes 0.00005; TOPMed 0.00007; ESP Exome Variant Server 0.00008; ExAC 0.00009.

Submissions (2):

Blueprint Genetics
Classification: Likely benign. Last evaluated: 2024-07-11. Review status: criteria provided, single submitter. Criteria: ACMG Guidelines, 2015. Collection method: clinical testing. Allele origin: germline.

Labcorp Genetics (formerly Invitae), Labcorp
Classification: Uncertain significance. Last evaluated: 2022-08-06. Review status: criteria provided, single submitter. Criteria: Invitae Variant Classification Sherloc (09022015). Collection method: clinical testing. Allele origin: germline.
Comment: This sequence change replaces arginine, which is basic and polar, with cysteine, which is neutral and slightly polar, at codon 518 of the KIAA0753 protein (p.Arg518Cys). This variant is present in population databases (rs370311617, gnomAD 0.07%). This variant has not been reported in the literature in individuals affected with KIAA0753-related conditions. Algorithms developed to predict the effect of missense changes on protein structure and function output the following: SIFT: "Tolerated"; PolyPhen-2: "Benign"; Align-GVGD: "Class C0". The cysteine amino acid residue is found in multiple mammalian species, which suggests that this missense change does not adversely affect protein function. In summary, the available evidence is currently insufficient to determine the role of this variant in disease. Therefore, it has been classified as a Variant of Uncertain Significance.

NM_014804.3(KIAA0753):c.1552C>T (p.Arg518Cys)

Gene: KIAA0753 (KIAA0753; minus strand). Cytogenetic location: 17p13.1.
Variant type: single nucleotide variant.
Coding change: c.1552C>T on transcript NM_014804.3 (MANE Select); coding-DNA position 1552, C replaced by T.
Protein change: p.Arg518Cys; replaces arginine 518 with cysteine.
Molecular consequence: missense variant. On other transcripts: non-coding transcript variant (3).
Genome position (GRCh38, 1-based): chr17:6,610,154, G>A on the plus strand (C>T on the coding strand, the complement: KIAA0753 is on the minus strand). VCF-style: chr17-6610154-G-A. GRCh37 (hg19) VCF-style: chr17-6513474-G-A.
Other names: c.655C>T, p.Arg219Cys (NM_001351225.2); short protein forms R518C, R219C.
Identifiers: ClinVar variation 2164965 (VCV002164965.2), dbSNP rs370311617, ClinGen allele CA8330435.